The following is an entry in ClinVar:

NM_000521.4(HEXB):c.187G>A (p.Val63Met)

Gene: HEXB (hexosaminidase subunit beta; plus strand). Cytogenetic location: 5q13.3.
Variant type: single nucleotide variant.
Coding change: c.187G>A on transcript NM_000521.4 (MANE Select); coding-DNA position 187, G replaced by A.
Protein change: p.Val63Met; replaces valine 63 with methionine.
Molecular consequence: missense variant. On other transcripts: intron variant (1).
Genome position (GRCh38, 1-based): chr5:74,685,447, G>A. VCF-style: chr5-74685447-G-A. GRCh37 (hg19) VCF-style: chr5-73981272-G-A.
Other names: c.-376-3881G>A (NM_001292004.2); short protein forms V63M.
Identifiers: ClinVar variation 2282556 (VCV002282556.5), dbSNP rs776211390, ClinGen allele CA3305758.
Genomic context (GRCh38, chr5:74,685,447, plus strand): 5'-GCTCGGGCCCCGAGCGTCTCGGCCAAGCCGGGGCCGGCGCTGTGGCCCCTGCCGCTCTTG[G>A]TGAAGATGACCCCGAACCTGCTGCATCTCGCCCCGGAGAACTTCTACATCAGCCACAGCC-3'
Protein context (NP_000512.2, residues 53-73): GPALWPLPLL[Val63Met]KMTPNLLHLA

ClinVar aggregate classification (germline): Uncertain significance. Review status: criteria provided, multiple submitters, no conflicts (2 of 4 stars). 3 submissions from 3 submitters: Uncertain significance (3). Last evaluated 2026-06-01.

Conditions:
Inborn genetic diseases. Identifiers: MedGen C0950123, MeSH D030342.

Allele frequency attached by ClinVar (database versions not stated): TOPMed 0.00002; ExAC 0.00003; gnomAD exomes 0.00003.
gnomAD v4.1: 48 of 1,611,694 alleles (0.003%); highest among the groups gnomAD compares: Non-Finnish European, 0.0039%; no homozygotes.

Submissions (3):

CeGaT Center for Human Genetics Tuebingen
Classification: Uncertain significance. Last evaluated: 2026-06-01. Review status: criteria provided, single submitter. Criteria: CeGaT Center For Human Genetics Tuebingen Variant Classification Criteria Version 2. Collection method: clinical testing. Allele origin: germline. Affected: yes. Observed: 1 variant allele.
Comment: HEXB: PM2

GeneDx
Classification: Uncertain significance. Last evaluated: 2024-03-21. Review status: criteria provided, single submitter. Criteria: GeneDx Variant Classification Process June 2021. Collection method: clinical testing. Allele origin: germline. Affected: yes.
Comment: Not observed at significant frequency in large population cohorts (gnomAD); In silico analysis supports that this missense variant does not alter protein structure/function; Has not been previously published as pathogenic or benign to our knowledge

Ambry Genetics
Classification: Uncertain significance for Inborn genetic diseases. Last evaluated: 2022-06-29. Review status: criteria provided, single submitter. Criteria: Ambry Variant Classification Scheme 2023. Collection method: clinical testing. Allele origin: germline.